The following is an entry in ClinVar:

NM_013275.6(ANKRD11):c.3122C>G (p.Ser1041Ter)

Gene: ANKRD11 (ankyrin repeat domain containing 11; minus strand). Cytogenetic location: 16q24.3.
Variant type: single nucleotide variant.
Coding change: c.3122C>G on transcript NM_013275.6 (MANE Select); coding-DNA position 3122, C replaced by G.
Protein change: p.Ser1041Ter; replaces serine 1041 with a stop codon.
Molecular consequence: nonsense.
Genome position (GRCh38, 1-based): chr16:89,283,420, G>C on the plus strand (C>G on the coding strand, the complement: ANKRD11 is on the minus strand). VCF-style: chr16-89283420-G-C. GRCh37 (hg19) VCF-style: chr16-89349828-G-C.
Other names: c.3122C>G, p.Ser1041Ter (NM_001256182.2, NM_001256183.2); short protein forms S1041*.
Identifiers: ClinVar variation 816977 (VCV000816977.1), dbSNP rs1057518663, ClinGen allele CA397160542.
Genomic context (GRCh38, chr16:89,283,420, plus strand): 5'-TCTTTTTTCTCTTTAAAACATTTATCAAATTCTTTGTCCTTCTGACATTTTTCCAGGATT[G>C]ATTTCTCACTTTTGTCCTTGTCACTGGATTTCTCTTTGTATCTTTCTGGTTTTGTCTTCT-3'

ClinVar aggregate classification (germline): Pathogenic (1 of 4 stars; one submission).

Submission:

GeneDx
Classification: Pathogenic. Last evaluated: 2019-02-18. Review status: criteria provided, single submitter. Criteria: GeneDx Variant Classification (06012015). Collection method: clinical testing. Allele origin: germline. Affected: yes.
Comment: The S1041X nonsense variant in the ANKRD11 gene is predicted to cause loss of normal protein function either through protein truncation or nonsense-mediated mRNA decay. The S1041X variant is not observed in large population cohorts (Lek et al., 2016).